The following is an entry in ClinVar:

NM_000350.3(ABCA4):c.6405_6406dup (p.Leu2136fs)

Gene: ABCA4 (ATP binding cassette subfamily A member 4; minus strand). Cytogenetic location: 1p22.1.
Variant type: Duplication.
Coding change: c.6405_6406dup on transcript NM_000350.3 (MANE Select); coding-DNA positions 6405 to 6406, 2 bases duplicated (AC; older notation c.6405_6406dupAC).
Protein change: p.Leu2136fs; shifts the reading frame from leucine 2136.
Molecular consequence: frameshift variant.
Genome position (GRCh38, 1-based): chr1:94,000,909-94,000,910, GT duplicated on the plus strand (AC on the coding strand, the reverse complement: ABCA4 is on the minus strand); duplicating any 2 consecutive bases within chr1:94,000,909-94,000,911 gives the same sequence; the c. name uses the placement nearest the transcript's 3' end. VCF-style (leftmost placement, unchanged base first): chr1-94000908-A-AGT. GRCh37 (hg19) VCF-style: chr1-94466464-A-AGT.
Other names: c.6182_6183dup, p.Leu2062Hisfs (NM_001425324.1); short protein forms L2136fs.
Identifiers: ClinVar variation 2087308 (VCV002087308.4), dbSNP rs2523624130, ClinGen allele CA2580063361.

ClinVar aggregate classification (germline): Pathogenic (1 of 4 stars; one submission).

Submission:

Labcorp Genetics (formerly Invitae), Labcorp
Classification: Pathogenic. Last evaluated: 2022-01-17. Review status: criteria provided, single submitter. Criteria: Invitae Variant Classification Sherloc (09022015). Collection method: clinical testing. Allele origin: germline.
Comment: This sequence change creates a premature translational stop signal (p.Leu2136Hisfs*10) in the ABCA4 gene. It is expected to result in an absent or disrupted protein product. Loss-of-function variants in ABCA4 are known to be pathogenic (PMID: 10958761, 24938718, 25312043, 26780318). This variant is not present in population databases (gnomAD no frequency). This variant has not been reported in the literature in individuals affected with ABCA4-related conditions. For these reasons, this variant has been classified as Pathogenic.

Literature cited by the submitters: PubMed 10958761; PubMed 24938718; PubMed 25312043; PubMed 26780318.